The following is an entry in ClinVar:

NM_001256715.2(DNAAF3):c.1507C>T (p.His503Tyr)

Gene: DNAAF3 (dynein axonemal assembly factor 3; minus strand). Cytogenetic location: 19q13.42.
Variant type: single nucleotide variant.
Coding change: c.1507C>T on transcript NM_001256715.2 (MANE Select); coding-DNA position 1507, C replaced by T.
Protein change: p.His503Tyr; replaces histidine 503 with tyrosine.
Molecular consequence: missense variant.
Genome position (GRCh38, 1-based): chr19:55,159,181, G>A on the plus strand (C>T on the coding strand, the complement: DNAAF3 is on the minus strand). VCF-style: chr19-55159181-G-A. GRCh37 (hg19) VCF-style: chr19-55670549-G-A.
Other names: c.1708C>T, p.His570Tyr (NM_001256714.1); c.1345C>T, p.His449Tyr (NM_001256716.2); c.1648C>T, p.His550Tyr (NM_178837.4); short protein forms H550Y, H570Y, H449Y, H503Y.
Identifiers: ClinVar variation 1922060 (VCV001922060.5), dbSNP rs758688329, ClinGen allele CA9667765.
Genomic context (GRCh38, chr19:55,159,181, plus strand): 5'-GAGCCAGAACCTCTGAGAGTGAACCTGGAGACTCAGAGGGCAGCTGGCAGGGCTCACAGT[G>A]TGGGGTCCCACCCTGCAGAGGCTGGGTCAGGCCCTCAAGGGCTGGGTTGCTGGCTTCAAG-3'
Protein context (NP_001243644.1, residues 493-513): LTQPLQGGTP[His503Tyr]CEPCQLPSES

ClinVar aggregate classification (germline): Uncertain significance (1 of 4 stars; one submission).

Conditions:
Primary ciliary dyskinesia. Also called: Ciliary dyskinesia. Identifiers: Orphanet 244, MedGen C0008780, MONDO:0016575, HP:0012265.

Allele frequency attached by ClinVar (database versions not stated): gnomAD exomes below 0.00001; ExAC 0.00001; TOPMed 0.00001.
gnomAD v4.1: 5 of 1,613,900 alleles (0.00031%); highest among the groups gnomAD compares: East Asian, 0.0045%; no homozygotes.

Submission:

Labcorp Genetics (formerly Invitae), Labcorp
Classification: Uncertain significance for Primary ciliary dyskinesia. Last evaluated: 2022-08-11. Review status: criteria provided, single submitter. Criteria: Invitae Variant Classification Sherloc (09022015). Collection method: clinical testing. Allele origin: germline.
Comment: In summary, the available evidence is currently insufficient to determine the role of this variant in disease. Therefore, it has been classified as a Variant of Uncertain Significance. Algorithms developed to predict the effect of missense changes on protein structure and function (SIFT, PolyPhen-2, Align-GVGD) all suggest that this variant is likely to be tolerated. This variant has not been reported in the literature in individuals affected with DNAAF3-related conditions. This variant is present in population databases (rs758688329, gnomAD 0.003%). This sequence change replaces histidine, which is basic and polar, with tyrosine, which is neutral and polar, at codon 570 of the DNAAF3 protein (p.His570Tyr).